The following is an entry in ClinVar:

NM_006946.4(SPTBN2):c.2023G>C (p.Gly675Arg)

Gene: SPTBN2 (spectrin beta, non-erythrocytic 2; minus strand). Cytogenetic location: 11q13.2.
Variant type: single nucleotide variant.
Coding change: c.2023G>C on transcript NM_006946.4 (MANE Select); coding-DNA position 2023, G replaced by C.
Protein change: p.Gly675Arg; replaces glycine 675 with arginine.
Molecular consequence: missense variant.
Genome position (GRCh38, 1-based): chr11:66,705,253, C>G on the plus strand (G>C on the coding strand, the complement: SPTBN2 is on the minus strand). VCF-style: chr11-66705253-C-G. GRCh37 (hg19) VCF-style: chr11-66472724-C-G.
Other names: short protein forms G675R.
Identifiers: ClinVar variation 995238 (VCV000995238.12), dbSNP rs776861052, ClinGen allele CA6129196.

ClinVar aggregate classification (germline): Uncertain significance. Review status: criteria provided, multiple submitters, no conflicts (2 of 4 stars). 5 submissions from 5 submitters: Uncertain significance (5). Last evaluated 2025-02-11.

Conditions:
Inborn genetic diseases. Identifiers: MedGen C0950123, MeSH D030342.
SPTBN2-related disorder. Also called: SPTBN2-related condition.

Allele frequency attached by ClinVar (database versions not stated): TOPMed 0.00003.
gnomAD v4.1: 21 of 1,577,814 alleles (0.0013%); highest among the groups gnomAD compares: Admixed American, 0.0054%; no homozygotes.

Submissions (5):

Ambry Genetics
Classification: Uncertain significance for Inborn genetic diseases. Last evaluated: 2025-02-11. Review status: criteria provided, single submitter. Criteria: Ambry Variant Classification Scheme 2023. Collection method: clinical testing. Allele origin: germline.

Athena Diagnostics
Classification: Uncertain significance. Last evaluated: 2024-12-09. Review status: criteria provided, single submitter. Criteria: Athena Diagnostics Criteria. Collection method: clinical testing. Allele origin: unknown.
Comment: Available data are insufficient to determine the clinical significance of the variant at this time. The frequency of this variant in the general population is uninformative in assessment of its pathogenicity. Polyphen and MutationTaster yielded discordant predictions regarding whether this amino acid change is damaging to the protein.

Labcorp Genetics (formerly Invitae), Labcorp
Classification: Uncertain significance. Last evaluated: 2024-10-30. Review status: criteria provided, single submitter. Criteria: Invitae Variant Classification Sherloc (09022015). Collection method: clinical testing. Allele origin: germline.
Comment: This sequence change replaces glycine, which is neutral and non-polar, with arginine, which is basic and polar, at codon 675 of the SPTBN2 protein (p.Gly675Arg). This variant is present in population databases (rs776861052, gnomAD 0.002%). This variant has not been reported in the literature in individuals affected with SPTBN2-related conditions. ClinVar contains an entry for this variant (Variation ID: 995238). Invitae Evidence Modeling of protein sequence and biophysical properties (such as structural, functional, and spatial information, amino acid conservation, physicochemical variation, residue mobility, and thermodynamic stability) indicates that this missense variant is not expected to disrupt SPTBN2 protein function with a negative predictive value of 80%. In summary, the available evidence is currently insufficient to determine the role of this variant in disease. Therefore, it has been classified as a Variant of Uncertain Significance.

PreventionGenetics, part of Exact Sciences
Classification: Uncertain significance for SPTBN2-related condition. Last evaluated: 2022-11-21. Review status: criteria provided, single submitter. Criteria: ACMG Guidelines, 2015. Collection method: clinical testing. Allele origin: germline.
Comment: The SPTBN2 c.2023G>C variant is predicted to result in the amino acid substitution p.Gly675Arg. To our knowledge, this variant has not been reported in the literature. This variant is reported in 0.0052% of alleles in individuals of African descent in gnomAD. At this time, the clinical significance of this variant is uncertain due to the absence of conclusive functional and genetic evidence.

Blueprint Genetics
Classification: Uncertain significance. Last evaluated: 2019-06-13. Review status: criteria provided, single submitter. Criteria: ACMG Guidelines, 2015. Collection method: clinical testing. Allele origin: germline.